The following is an entry in ClinVar:

ClinVar aggregate classification (germline): Pathogenic (1 of 4 stars; one submission).

Conditions:
Primary ciliary dyskinesia 3. Identifiers: Orphanet 244, MedGen C1837618, MONDO:0012085, OMIM 608644.

Submission:

Myriad Genetics, Inc.
Classification: Pathogenic for Primary ciliary dyskinesia 3. Last evaluated: 2024-05-14. Review status: criteria provided, single submitter. Criteria: Myriad Autosomal Dominant, Autosomal Recessive and X-Linked Classification Criteria (2023). Collection method: clinical testing. Allele origin: unknown.
Comment: NM_001369.2(DNAH5):c.4881_4883del3ins17(Q1629Sfs*12) is expected to be pathogenic in the context of primary ciliary dyskinesia, DNAH5-related. This variant is predicted to lead to an abnormal or absent protein product due to the creation of a premature termination codon in DNAH5, a gene where loss-of-function variants are known to be pathogenic. Please note: this variant was assessed in the context of healthy population screening.

NM_001369.3(DNAH5):c.4881_4883delinsTGTCTCTTATACACATC (p.Gln1629fs)

Genes: DNAH5 (dynein axonemal heavy chain 5; minus strand), LOC126807318 (MED14-independent group 3 enhancer GRCh37_chr5:13858976-13860175; plus strand). Cytogenetic location: 5p15.2.
Variant type: Indel.
Coding change: c.4881_4883delinsTGTCTCTTATACACATC on transcript NM_001369.3 (MANE Select); coding-DNA positions 4881 to 4883, GGT replaced by TGTCTCTTATACACATC.
Protein change: p.Gln1629fs; shifts the reading frame from glutamine 1629.
Molecular consequence: frameshift variant.
Genome position (GRCh38, 1-based): chr5:13,859,519-13,859,521, ACC replaced by GATGTGTATAAGAGACA on the plus strand (GGT replaced by TGTCTCTTATACACATC on the coding strand, the reverse complement: DNAH5 is on the minus strand). VCF-style: chr5-13859519-ACC-GATGTGTATAAGAGACA. GRCh37 (hg19) VCF-style: chr5-13859628-ACC-GATGTGTATAAGAGACA.
Other names: short protein forms Q1629fs.
Identifiers: ClinVar variation 5010526 (VCV005010526.1).
Genomic context (GRCh38, chr5:13,859,519, plus strand): 5'-AGCTGCTTGGCAATGTCTCCTCCCACAAAGACAGCTTCTAAATAAATCCACAGGTTTTGC[ACC>GATGTGTATAAGAGACA]GTCATCCAGCTCTCGATGATGTCTGTTGAGTTGGAAAGGTACTGCACCCATTTTTGAATC-3'